The following is an entry in ClinVar:

NM_139057.4(ADAMTS17):c.590C>T (p.Pro197Leu)

Gene: ADAMTS17 (ADAM metallopeptidase with thrombospondin type 1 motif 17; minus strand). Cytogenetic location: 15q26.3.
Variant type: single nucleotide variant.
Coding change: c.590C>T on transcript NM_139057.4 (MANE Select); coding-DNA position 590, C replaced by T.
Protein change: p.Pro197Leu; replaces proline 197 with leucine.
Molecular consequence: missense variant.
Genome position (GRCh38, 1-based): chr15:100,330,915, G>A on the plus strand (C>T on the coding strand, the complement: ADAMTS17 is on the minus strand). VCF-style: chr15-100330915-G-A. GRCh37 (hg19) VCF-style: chr15-100871120-G-A.
Other names: short protein forms P197L.
Identifiers: ClinVar variation 885682 (VCV000885682.11), dbSNP rs764391097, ClinGen allele CA7758686.

ClinVar aggregate classification (germline): Conflicting classifications of pathogenicity. Review status: criteria provided, conflicting classifications (1 of 4 stars). 4 submissions from 4 submitters: Uncertain significance (3); Likely benign (1). Last evaluated 2025-11-13.

Conditions:
Weill-Marchesani 4 syndrome, recessive. Also called: Weill-Marchesani syndrome 4. Identifiers: Orphanet 363992, MedGen C2750787, MONDO:0013176, OMIM 613195.
Inborn genetic diseases. Identifiers: MedGen C0950123, MeSH D030342.

Allele frequency attached by ClinVar (database versions not stated): ExAC 0.00002; gnomAD exomes 0.00004 and 0.00015; gnomAD 0.00005; TOPMed 0.00006.
gnomAD v4.1: 229 of 1,614,040 alleles (0.014%); highest among the groups gnomAD compares: Non-Finnish European, 0.019%; no homozygotes.

Submissions (4):

Ambry Genetics
Classification: Uncertain significance for Inborn genetic diseases. Last evaluated: 2025-11-13. Review status: criteria provided, single submitter. Criteria: Ambry Variant Classification Scheme 2023. Collection method: clinical testing. Allele origin: germline.

Blueprint Genetics
Classification: Likely benign. Last evaluated: 2024-03-05. Review status: criteria provided, single submitter. Criteria: ACMG Guidelines, 2015. Collection method: clinical testing. Allele origin: germline.

Labcorp Genetics (formerly Invitae), Labcorp
Classification: Uncertain significance. Last evaluated: 2024-01-25. Review status: criteria provided, single submitter. Criteria: Invitae Variant Classification Sherloc (09022015). Collection method: clinical testing. Allele origin: germline.
Comment: This sequence change replaces proline, which is neutral and non-polar, with leucine, which is neutral and non-polar, at codon 197 of the ADAMTS17 protein (p.Pro197Leu). This variant is present in population databases (rs764391097, gnomAD 0.006%). This variant has not been reported in the literature in individuals affected with ADAMTS17-related conditions. ClinVar contains an entry for this variant (Variation ID: 885682). An algorithm developed to predict the effect of missense changes on protein structure and function (PolyPhen-2) suggests that this variant¬†is likely to be tolerated. In summary, the available evidence is currently insufficient to determine the role of this variant in disease. Therefore, it has been classified as a Variant of Uncertain Significance.

Illumina Laboratory Services, Illumina
Classification: Uncertain significance for Weill-Marchesani 4 syndrome, recessive. Last evaluated: 2018-01-13. Review status: criteria provided, single submitter. Criteria: ICSL Variant Classification Criteria 13 December 2019. Collection method: clinical testing. Allele origin: germline.